The following is an entry in ClinVar:

NM_004168.4(SDHA):c.384G>C (p.Lys128Asn)

Gene: SDHA (succinate dehydrogenase complex flavoprotein subunit A; plus strand). Cytogenetic location: 5p15.33.
Variant type: single nucleotide variant.
Coding change: c.384G>C on transcript NM_004168.4 (MANE Select); coding-DNA position 384, G replaced by C.
Protein change: p.Lys128Asn; replaces lysine 128 with asparagine.
Molecular consequence: missense variant. On other transcripts: intron variant (1).
Genome position (GRCh38, 1-based): chr5:225,490, G>C. VCF-style: chr5-225490-G-C. GRCh37 (hg19) VCF-style: chr5-225605-G-C.
Other names: c.384G>C, p.Lys128Asn (NM_001330758.2); c.313-393G>C (NM_001294332.2); short protein forms K128N.
Identifiers: ClinVar variation 2447202 (VCV002447202.2), dbSNP rs11557099, ClinGen allele CA359009421.

ClinVar aggregate classification (germline): Uncertain significance (1 of 4 stars; one submission).

Conditions:
Hereditary cancer-predisposing syndrome. Also called: Neoplastic Syndromes, Hereditary; Hereditary Cancer Syndrome; Tumor predisposition; Hereditary neoplastic syndrome. Identifiers: Orphanet 140162, MedGen C0027672, MeSH D009386, MONDO:0015356.

Allele frequency attached by ClinVar (database versions not stated): TOPMed below 0.00001.

Submission:

Ambry Genetics
Classification: Uncertain significance for Hereditary cancer-predisposing syndrome. Last evaluated: 2022-11-14. Review status: criteria provided, single submitter. Criteria: Ambry Variant Classification Scheme 2023. Collection method: clinical testing. Allele origin: germline.
Comment: The p.K128N variant (also known as c.384G>C), located in coding exon 4 of the SDHA gene, results from a G to C substitution at nucleotide position 384. The lysine at codon 128 is replaced by asparagine, an amino acid with similar properties. This amino acid position is highly conserved in available vertebrate species. In addition, the in silico prediction for this alteration is inconclusive. Since supporting evidence is limited at this time, the clinical significance of this alteration remains unclear.